The following is an entry in ClinVar:

ClinVar aggregate classification (germline): Uncertain significance (1 of 4 stars; one submission).

Allele frequency attached by ClinVar (database versions not stated): gnomAD exomes below 0.00001.
gnomAD v4.1: 3 of 1,607,572 alleles (0.00019%); highest among the groups gnomAD compares: Non-Finnish European, 0.00025%; no homozygotes.

Submission:

Labcorp Genetics (formerly Invitae), Labcorp
Classification: Uncertain significance. Last evaluated: 2024-11-03. Review status: criteria provided, single submitter. Criteria: Invitae Variant Classification Sherloc (09022015). Collection method: clinical testing. Allele origin: germline.
Comment: This sequence change replaces glycine, which is neutral and non-polar, with cysteine, which is neutral and slightly polar, at codon 63 of the TANGO2 protein (p.Gly63Cys). This variant is not present in population databases (gnomAD no frequency). This variant has not been reported in the literature in individuals affected with TANGO2-related conditions. ClinVar contains an entry for this variant (Variation ID: 1952133). An algorithm developed to predict the effect of missense changes on protein structure and function (PolyPhen-2) suggests that this variant is likely to be disruptive. In summary, the available evidence is currently insufficient to determine the role of this variant in disease. Therefore, it has been classified as a Variant of Uncertain Significance.

NM_152906.7(TANGO2):c.187G>T (p.Gly63Cys)

Gene: TANGO2 (transport and golgi organization 2 homolog; plus strand). Cytogenetic location: 22q11.21.
Variant type: single nucleotide variant.
Coding change: c.187G>T on transcript NM_152906.7 (MANE Select); coding-DNA position 187, G replaced by T.
Protein change: p.Gly63Cys; replaces glycine 63 with cysteine.
Molecular consequence: missense variant. On other transcripts: non-coding transcript variant (5).
Genome position (GRCh38, 1-based): chr22:20,052,506, G>T. VCF-style: chr22-20052506-G-T. GRCh37 (hg19) VCF-style: chr22-20040029-G-T.
Other names: c.187G>T, p.Gly63Cys (NM_001283106.3, NM_001283116.3, NM_001283148.3 and 10 more transcripts); c.310G>T, p.Gly104Cys (NM_001283129.3, NM_001283215.3, NM_001322141.2 and 5 more transcripts); c.8G>T, p.Gly3Val (NM_001283235.3, NM_001322146.2, NM_001322148.2 and 9 more transcripts); short protein forms G3V, G63C, G104C.
Identifiers: ClinVar variation 1952133 (VCV001952133.3), dbSNP rs2046544566, ClinGen allele CA410695556.